The following is an entry in ClinVar:

ClinVar aggregate classification (germline): Pathogenic/Likely pathogenic. Review status: criteria provided, multiple submitters, no conflicts (2 of 4 stars). 6 submissions from 6 submitters: Pathogenic (5); Likely pathogenic (1). Last evaluated 2026-09-08.

Conditions:
Fabry disease. Also called: ALPHA-GALACTOSIDASE A DEFICIENCY; ANDERSON-FABRY DISEASE; Fabry's disease; Ceramide trihexosidosis; Angiokeratoma corporis diffusum; CERAMIDE TRIHEXOSIDASE DEFICIENCY. Identifiers: Orphanet 324, MedGen C0002986, MONDO:0010526, OMIM 301500, HP:0001071. Disease mechanism: loss of function, Fabry disease is due to inactivating mutations in the X-linked GLA gene resulting in deficiency of the enzyme Alpha Galactosidase-A..

Submissions (6):

Genomenon, Inc
Classification: Likely pathogenic for Fabry disease. Last evaluated: 2026-09-08. Review status: criteria provided, single submitter. Criteria: Genomenon Sequence Variant Interpretation Standards - Updated. Collection method: curation. Allele origin: germline. Affected: yes.
Comment: GLA p.Met267Ile (c.801G>A) is a missense variant that changes the amino acid at codon 267 from Methionine to Isoleucine. This variant has been observed in at least one proband with clinical features consistent with Fabry disease (PMID:11668641;31996269;38002959;10666480). The variant was found to segregate with disease in at least one affected family (PMID:38002959). Functional or patient cell studies have been reported (PMID:31996269;10666480). This variant is located in a mutational hotspot and/or important functional domain. It is absent or not present at a significant frequency in gnomAD. In silico models predict that this variant is possibly or probably damaging. In conclusion, we classify GLA p.Met267Ile (c.801G>A) as a likely pathogenic variant.

Genome-Nilou Lab
Classification: Pathogenic for Fabry disease. Last evaluated: 2021-07-15. Review status: criteria provided, single submitter. Criteria: ACMG Guidelines, 2015. Collection method: clinical testing. Allele origin: germline. Affected: no.

Labcorp Genetics (formerly Invitae), Labcorp
Classification: Pathogenic for Fabry disease. Last evaluated: 2019-05-15. Review status: criteria provided, single submitter. Criteria: Invitae Variant Classification Sherloc (09022015). Collection method: clinical testing. Allele origin: germline.
Comment: This variant has been reported in several individuals affected with Fabry disease (PMID: 10666480, 11668641, Invitae). ClinVar contains an entry for this variant (Variation ID: 180842). This sequence change replaces methionine with isoleucine at codon 267 of the GLA protein (p.Met267Ile). The methionine residue is highly conserved and there is a small physicochemical difference between methionine and isoleucine. This variant also falls at the last nucleotide of exon 5 of the GLA coding sequence, which is part of the consensus splice site for this exon. This variant is not present in population databases (ExAC no frequency). Experimental studies have shown that this missense change has a moderate effect on GLA protein aggregation but results in a reduction of GLA enzymatic activity in vitro (PMID: 22773828). Nucleotide substitutions within the consensus splice site are relatively common causes of aberrant splicing (PMID: 17576681, 9536098). Algorithms developed to predict the effect of sequence changes on RNA splicing suggest that this variant may disrupt the consensus splice site, but this prediction has not been confirmed by published transcriptional studies. For these reasons, this variant has been classified as Pathogenic.

Fulgent Genetics
Classification: Pathogenic for Fabry disease. Last evaluated: 2018-10-31. Review status: criteria provided, single submitter. Criteria: ACMG Guidelines, 2015. Collection method: clinical testing. Allele origin: unknown.

Eurofins Ntd Llc (ga)
Classification: Pathogenic. Last evaluated: 2018-03-21. Review status: criteria provided, single submitter. Criteria: EGL ClinVar v180209 classification definitions. Collection method: clinical testing. Allele origin: germline. Observed: 2 variant alleles, 2 heterozygotes.

GeneDx
Classification: Pathogenic. Last evaluated: 2014-01-18. Review status: criteria provided, single submitter. Criteria: GeneDx Variant Classification (06012015). Collection method: clinical testing. Allele origin: germline. Affected: yes.
Comment: The M267I mutation in the GLA gene has been reported in a single patient with Fabry disease who was hemizygous for the mutation and had a plasma alpha-Gal A activity of 0.2U/ml (Topaloglu A et al., 1999). Other mutations affecting the same residue (M267R, M267T) as well as mutations in neighboring residues (D266V, D266E, L268S) have been reported in association with Fabry disease, further supporting the functional importance of this residue and this region of the protein. Furthermore, the M267I mutation was not observed inapproximately 6,500 individuals of European and African American ancestry in the NHLBI Exome Sequencing Project, indicating it is not a common benign variant in these populations. In summary, M267I in the GLA gene is interpreted as a disease-causing mutation. The variant is found in HCM panel(s).

Literature cited by the submitters: PubMed 11668641 (cited by Genomenon, Inc and Labcorp Genetics (formerly Invitae), Labcorp); PubMed 31996269 (cited by Genomenon, Inc); PubMed 38002959 (cited by Genomenon, Inc); PubMed 10666480 (cited by Genomenon, Inc and Labcorp Genetics (formerly Invitae), Labcorp); PubMed 22773828 (cited by Labcorp Genetics (formerly Invitae), Labcorp); PubMed 17576681 (cited by Labcorp Genetics (formerly Invitae), Labcorp); PubMed 9536098 (cited by Labcorp Genetics (formerly Invitae), Labcorp).

NM_000169.3(GLA):c.801G>A (p.Met267Ile)

Genes: GLA (galactosidase alpha; minus strand), RPL36A-HNRNPH2 (RPL36A-HNRNPH2 readthrough; plus strand). Cytogenetic location: Xq22.1.
Variant type: single nucleotide variant.
Coding change: c.801G>A on transcript NM_000169.3 (MANE Select); coding-DNA position 801, G replaced by A.
Protein change: p.Met267Ile; replaces methionine 267 with isoleucine.
Molecular consequence: missense variant. On other transcripts: non-coding transcript variant (3), intron variant (2).
Genome position (GRCh38, 1-based): chrX:101,398,785, C>T on the plus strand (G>A on the coding strand, the complement: GLA is on the minus strand). VCF-style: chrX-101398785-C-T. GRCh37 (hg19) VCF-style: chrX-100653773-C-T.
Other names: p.M267I:ATG>ATA; c.924G>A, p.Met308Ile (NM_001406747.1); c.801G>A, p.Met267Ile (NM_001406748.1); c.300+3328C>T (NM_001199973.2); c.177+6963C>T (NM_001199974.2); short protein forms M267I, M308I.
Identifiers: ClinVar variation 180842 (VCV000180842.21), dbSNP rs730880451, ClinGen allele CA022081.